The following is an entry in ClinVar:

ClinVar aggregate classification (germline): Likely pathogenic (1 of 4 stars; one submission).

Conditions:
Atrial fibrillation, familial, 18 (ATFB18). Identifiers: MedGen C4310636, MONDO:0015001, OMIM 617280.

Allele frequency attached by ClinVar (database versions not stated): TOPMed 0.00001; gnomAD 0.00002; ExAC 0.00003.
gnomAD v4.1: 15 of 1,611,978 alleles (0.00093%); highest among the groups gnomAD compares: East Asian, 0.018%; no homozygotes.

Submission:

Labcorp Genetics (formerly Invitae), Labcorp
Classification: Likely pathogenic for Atrial fibrillation, familial, 18. Last evaluated: 2022-06-30. Review status: criteria provided, single submitter. Criteria: Invitae Variant Classification Sherloc (09022015). Collection method: clinical testing. Allele origin: germline.
Comment: This sequence change affects an acceptor splice site in intron 4 of the MYL4 gene. It is expected to disrupt RNA splicing. Variants that disrupt the donor or acceptor splice site typically lead to a loss of protein function (PMID: 16199547), and loss-of-function variants in MYL4 are known to be pathogenic (PMID: 25807286, 27742809). This variant is present in population databases (rs775042268, gnomAD 0.04%). This variant has not been reported in the literature in individuals affected with MYL4-related conditions. Algorithms developed to predict the effect of sequence changes on RNA splicing suggest that this variant may disrupt the consensus splice site. In summary, the currently available evidence indicates that the variant is pathogenic, but additional data are needed to prove that conclusively. Therefore, this variant has been classified as Likely Pathogenic.

Literature cited by the submitters: PubMed 16199547; PubMed 25807286; PubMed 27742809.

NM_002476.2(MYL4):c.314-1G>C

Gene: MYL4 (myosin light chain 4; plus strand). Cytogenetic location: 17q21.32.
Variant type: single nucleotide variant.
Coding change: c.314-1G>C on transcript NM_002476.2 (MANE Select); the canonical splice acceptor site of the intron before coding-DNA position 314, G replaced by C.
Molecular consequence: splice acceptor variant.
Genome position (GRCh38, 1-based): chr17:47,221,681, G>C. VCF-style: chr17-47221681-G-C. GRCh37 (hg19) VCF-style: chr17-45299047-G-C.
Other names: c.314-1G>C (NM_001002841.2).
Identifiers: ClinVar variation 2052621 (VCV002052621.1), dbSNP rs775042268, ClinGen allele CA8622716.